The following is an entry in ClinVar:

NM_001100.4(ACTA1):c.616G>A (p.Ala206Thr)

Gene: ACTA1 (actin alpha 1, skeletal muscle; minus strand). Cytogenetic location: 1q42.13.
Variant type: single nucleotide variant.
Coding change: c.616G>A on transcript NM_001100.4 (MANE Select); coding-DNA position 616, G replaced by A.
Protein change: p.Ala206Thr; replaces alanine 206 with threonine.
Molecular consequence: missense variant.
Genome position (GRCh38, 1-based): chr1:229,432,270, C>T on the plus strand (G>A on the coding strand, the complement: ACTA1 is on the minus strand). VCF-style: chr1-229432270-C-T. GRCh37 (hg19) VCF-style: chr1-229568017-C-T.
Other names: short protein forms A206T.
Identifiers: ClinVar variation 381641 (VCV000381641.13), dbSNP rs1057521119, ClinGen allele CA16603572.

ClinVar aggregate classification (germline): Pathogenic/Likely pathogenic. Review status: criteria provided, multiple submitters, no conflicts (2 of 4 stars). 2 submissions from 2 submitters: Pathogenic (1); Likely pathogenic (1). Last evaluated 2025-10-26.

Conditions:
Actin accumulation myopathy (CMYO2A). Also called: CONGENITAL MYOPATHY 2A, TYPICAL, AUTOSOMAL DOMINANT; Nemaline myopathy type 3; Myopathy, actin, congenital, with cores; Nemaline myopathy 3, with intranuclear rods; Myopathy, actin, congenital, with excess of thin myofilaments. Identifiers: Orphanet 98904, MedGen C3711389, MONDO:0008070, OMIM 161800.

Submissions (2):

Labcorp Genetics (formerly Invitae), Labcorp
Classification: Pathogenic for Actin accumulation myopathy. Last evaluated: 2025-10-26. Review status: criteria provided, single submitter. Criteria: Invitae Variant Classification Sherloc (09022015). Collection method: clinical testing. Allele origin: germline.
Comment: This sequence change replaces alanine, which is neutral and non-polar, with threonine, which is neutral and polar, at codon 206 of the ACTA1 protein (p.Ala206Thr). This variant also falls at the last nucleotide of exon 4, which is part of the consensus splice site for this exon. This variant is not present in population databases (gnomAD no frequency). This missense change has been observed in individuals with autosomal dominant nemaline myopathy (PMID: 19562689). ClinVar contains an entry for this variant (Variation ID: 381641). An algorithm developed to predict the effect of missense changes on protein structure and function (PolyPhen-2) suggests that this variant is likely to be disruptive. Variants that disrupt the consensus splice site are a relatively common cause of aberrant splicing (PMID: 17576681, 9536098). Algorithms developed to predict the effect of sequence changes on RNA splicing suggest that this variant may disrupt the consensus splice site. For these reasons, this variant has been classified as Pathogenic.

GeneDx
Classification: Likely pathogenic. Last evaluated: 2016-11-08. Review status: criteria provided, single submitter. Criteria: GeneDx Variant Classification (06012015). Collection method: clinical testing. Allele origin: germline. Affected: yes.
Comment: The c.616 G>A variant has been previously reported as a heterozygous variant in association with ACTA1-related disorders (Laing et al., 2009). It was not observed in approximately 6,500 individuals of European and African American ancestry in the NHLBI Exome Sequencing Project, indicating it is not a common benign variant in these populations. Multiple in silico algorithms predict that c.616 G>A may damage or destroy the natural splice donor site of intron 4 and alter gene splicing. However, in the absence of RNA/functional studies the actual effect of c.616 G>A on splicing in this individual is unknown. If c.616 G>A does not alter splicing, it will result in the A206T missense change. The A206T variant is a non-conservative amino acid substitution, which is likely to impact secondary protein structure as these residues differ in polarity, charge, size and/or other properties. This substitution occurs at a position that is conserved across species, and missense variants in nearby residues (T204I; E207G/D; E209D) have been reported in the Human Gene Mutation Database in association with ACTA1-related disorders (Stenson et al., 2014), supporting the functional importance of this region of the protein. Additionally, in silico analysis predicts this variant is probably damaging to the protein structure/function.

Literature cited by the submitters: PubMed 19562689 (cited by Labcorp Genetics (formerly Invitae), Labcorp); PubMed 17576681 (cited by Labcorp Genetics (formerly Invitae), Labcorp); PubMed 9536098 (cited by Labcorp Genetics (formerly Invitae), Labcorp).